The following is an entry in ClinVar:

ClinVar aggregate classification (germline): Pathogenic (1 of 4 stars; one submission).

Conditions:
Fructose-biphosphatase deficiency (FBP1D). Also called: Fructose 1,6 Bisphosphatase Deficiency; Fructose-1,6-Bisphosphatase 1 Deficiency; Fructose-1,6-Diphosphatase Deficiency. Identifiers: Orphanet 348, MedGen C0016756, MONDO:0009251, OMIM 229700.

Allele frequency attached by ClinVar (database versions not stated): gnomAD exomes below 0.00001.

Submission:

Labcorp Genetics (formerly Invitae), Labcorp
Classification: Pathogenic for Fructose-biphosphatase deficiency. Last evaluated: 2023-05-27. Review status: criteria provided, single submitter. Criteria: Invitae Variant Classification Sherloc (09022015). Collection method: clinical testing. Allele origin: germline.
Comment: For these reasons, this variant has been classified as Pathogenic. This variant disrupts a region of the FBP1 protein in which other variant(s) (p.Ser321Valfs*13) have been determined to be pathogenic (PMID: 26549536, 28420223, 28776561). This suggests that this is a clinically significant region of the protein, and that variants that disrupt it are likely to be disease-causing. This variant has not been reported in the literature in individuals affected with FBP1-related conditions. This variant is not present in population databases (gnomAD no frequency). This sequence change creates a premature translational stop signal (p.Ser321Phefs*13) in the FBP1 gene. While this is not anticipated to result in nonsense mediated decay, it is expected to disrupt the last 18 amino acid(s) of the FBP1 protein.

Literature cited by the submitters: PubMed 26549536; PubMed 28420223; PubMed 28776561.

NM_000507.4(FBP1):c.961dup (p.Ser321fs)

Gene: FBP1 (fructose-bisphosphatase 1; minus strand). Cytogenetic location: 9q22.32.
Variant type: Duplication.
Coding change: c.961dup on transcript NM_000507.4 (MANE Select); coding-DNA position 961, one base duplicated (T; older notation c.961dupT).
Protein change: p.Ser321fs; shifts the reading frame from serine 321.
Molecular consequence: frameshift variant.
Genome position (GRCh38, 1-based): chr9:94,603,437, A duplicated on the plus strand (T on the coding strand, the reverse complement: FBP1 is on the minus strand). VCF-style (leftmost placement, unchanged base first): chr9-94603436-G-GA. GRCh37 (hg19) VCF-style: chr9-97365718-G-GA.
Other names: c.961dup, p.Ser321fs (NM_001127628.2); short protein forms S321fs.
Identifiers: ClinVar variation 2809502 (VCV002809502.3), dbSNP rs2538927166, ClinGen allele CA2690770932.